The following is an entry in ClinVar:

ClinVar aggregate classification (germline): Likely benign (1 of 4 stars; one submission).

Submission:

CeGaT Center for Human Genetics Tuebingen
Classification: Likely benign. Last evaluated: 2026-05-01. Review status: criteria provided, single submitter. Criteria: CeGaT Center For Human Genetics Tuebingen Variant Classification Criteria Version 2. Collection method: clinical testing. Allele origin: germline. Affected: yes. Observed: 1 variant allele.
Comment: EPS8L2: BP4, BP7

NM_022772.4(EPS8L2):c.*498G>T

Gene: EPS8L2 (EPS8 signaling adaptor L2; plus strand). Cytogenetic location: 11p15.5.
Variant type: single nucleotide variant.
Coding change: c.*498G>T on transcript NM_022772.4 (MANE Select); 498 bases downstream of the stop codon, G replaced by T.
Molecular consequence: 3 prime UTR variant.
Genome position (GRCh38, 1-based): chr11:727,479, G>T. VCF-style: chr11-727479-G-T. GRCh37 (hg19) VCF-style: chr11-727479-G-T.
Other names: c.*498G>T (NM_001441192.1, NM_001441193.1, NM_001441194.1).
Identifiers: ClinVar variation 4874154 (VCV004874154.2).